The following is an entry in ClinVar:

ClinVar aggregate classification (germline): Uncertain significance (1 of 4 stars; one submission).

Conditions:
Catecholaminergic polymorphic ventricular tachycardia 1. Also called: VENTRICULAR TACHYCARDIA, CATECHOLAMINERGIC POLYMORPHIC, 1, WITH OR WITHOUT ATRIAL DYSFUNCTION AND/OR DILATED CARDIOMYOPATHY; VENTRICULAR TACHYCARDIA, STRESS-INDUCED POLYMORPHIC 1; RYR2-Related Catecholaminergic Polymorphic Ventricular Tachycardia. Identifiers: Orphanet 3286, MedGen C1631597, MONDO:0011484, OMIM 604772.

Submission:

Labcorp Genetics (formerly Invitae), Labcorp
Classification: Uncertain significance for Catecholaminergic polymorphic ventricular tachycardia 1. Last evaluated: 2020-03-23. Review status: criteria provided, single submitter. Criteria: Invitae Variant Classification Sherloc (09022015). Collection method: clinical testing. Allele origin: germline.
Comment: In summary, the available evidence is currently insufficient to determine the role of this variant in disease. Therefore, it has been classified as a Variant of Uncertain Significance. Algorithms developed to predict the effect of missense changes on protein structure and function (SIFT, PolyPhen-2, Align-GVGD) all suggest that this variant is likely to be disruptive, but these predictions have not been confirmed by published functional studies and their clinical significance is uncertain. This variant has not been reported in the literature in individuals with RYR2-related conditions. This variant is not present in population databases (ExAC no frequency). This sequence change replaces glutamic acid with lysine at codon 2294 of the RYR2 protein (p.Glu2294Lys). The glutamic acid residue is highly conserved and there is a small physicochemical difference between glutamic acid and lysine.

NM_001035.3(RYR2):c.6880G>A (p.Glu2294Lys)

Gene: RYR2 (ryanodine receptor 2; plus strand). Cytogenetic location: 1q43.
Variant type: single nucleotide variant.
Coding change: c.6880G>A on transcript NM_001035.3 (MANE Select); coding-DNA position 6880, G replaced by A.
Protein change: p.Glu2294Lys; replaces glutamic acid 2294 with lysine.
Molecular consequence: missense variant.
Genome position (GRCh38, 1-based): chr1:237,638,444, G>A. VCF-style: chr1-237638444-G-A. GRCh37 (hg19) VCF-style: chr1-237801744-G-A.
Other names: short protein forms E2294K.
Identifiers: ClinVar variation 1040947 (VCV001040947.10), dbSNP rs1238576332, ClinGen allele CA345395606.
Genomic context (GRCh38, chr1:237,638,444, plus strand): 5'-CTGCAAAGTTGCCAGATGCTGGTGTCTAAGGGCTATCCAGACATTGGGTGGAACCCAGTT[G>A]AAGGAGAGAGATATCTTGACTTTCTTAGATTTGCTGTCTTCTGTAATGGTAGGACTTGAT-3'
Protein context (NP_001026.2, residues 2284-2304): GYPDIGWNPV[Glu2294Lys]GERYLDFLRF